The following is an entry in ClinVar:

NM_001378615.1(CC2D2A):c.2090T>C (p.Val697Ala)

Genes: CC2D2A (coiled-coil and C2 domain containing 2A; plus strand), FBXL5 (F-box and leucine rich repeat protein 5; minus strand). Cytogenetic location: 4p15.32.
Variant type: single nucleotide variant.
Coding change: c.2090T>C on transcript NM_001378615.1 (MANE Select); coding-DNA position 2090, T replaced by C.
Protein change: p.Val697Ala; replaces valine 697 with alanine.
Molecular consequence: missense variant.
Genome position (GRCh38, 1-based): chr4:15,540,923, T>C. VCF-style: chr4-15540923-T-C. GRCh37 (hg19) VCF-style: chr4-15542546-T-C.
Other names: p.Val697Ala; c.2090T>C, p.Val697Ala (NM_001080522.2); c.1943T>C, p.Val648Ala (NM_001378617.1); short protein forms V697A, V648A.
Identifiers: ClinVar variation 656554 (VCV000656554.13), dbSNP rs766282869, ClinGen allele CA2863844.

ClinVar aggregate classification (germline): Conflicting classifications of pathogenicity. Review status: criteria provided, conflicting classifications (1 of 4 stars). 4 submissions from 4 submitters: Uncertain significance (1); Likely benign (2). 1 of the submissions does not count toward it. Last evaluated 2025-11-06.

Conditions:
Joubert syndrome. Also called: JOUBERT-BOLTSHAUSER SYNDROME; Familial aplasia of the vermis. Identifiers: Orphanet 475, MedGen C5979921, MONDO:0018772.
Meckel-Gruber syndrome. Also called: Dysencephalia splachnocystica; DYSENCEPHALIA SPLANCHNOCYSTICA; GRUBER SYNDROME. Identifiers: Orphanet 564, MedGen C0265215, MONDO:0018921.
CC2D2A-related disorder. Also called: CC2D2A-related disorders; CC2D2A-related condition. Identifiers: MedGen CN239313.

Allele frequency attached by ClinVar (database versions not stated): gnomAD exomes 0.00002 and 0.00012; gnomAD 0.00003 and 0.00004; TOPMed 0.00005; ExAC 0.00027.
gnomAD v4.1: 36 of 1,577,084 alleles (0.0023%); highest among the groups gnomAD compares: East Asian, 0.081%; no homozygotes.

Submissions (4):

Labcorp Genetics (formerly Invitae), Labcorp
Classification: Likely benign for Joubert syndrome; Meckel-Gruber syndrome. Last evaluated: 2025-11-06. Review status: criteria provided, single submitter. Criteria: Invitae Variant Classification Sherloc (09022015). Collection method: clinical testing. Allele origin: germline.

Blueprint Genetics
Classification: Likely benign. Last evaluated: 2024-08-30. Review status: criteria provided, single submitter. Criteria: ACMG Guidelines, 2015. Collection method: clinical testing. Allele origin: germline.

Mayo Clinic Laboratories, Mayo Clinic
Classification: Uncertain significance. Last evaluated: 2024-06-10. Review status: criteria provided, single submitter. Criteria: ACMG Guidelines, 2015. Collection method: clinical testing. Allele origin: germline. Observed: 1 variant allele.
Comment: BP4, PM2

PreventionGenetics, part of Exact Sciences
Classification: Likely benign for CC2D2A-related condition. Last evaluated: 2022-07-28. Review status: no assertion criteria provided. Collection method: clinical testing. Allele origin: germline. Not counted in ClinVar's aggregate classification.
Comment: This variant is classified as likely benign based on ACMG/AMP sequence variant interpretation guidelines (Richards et al. 2015 PMID: 25741868, with internal and published modifications).